The following is an entry in ClinVar:

ClinVar aggregate classification (germline): Uncertain significance (0 of 4 stars; one submission).

Conditions:
DDX23-related disorder. Also called: DDX23-related condition.

Submission:

PreventionGenetics, part of Exact Sciences
Classification: Uncertain significance for DDX23-related condition. Last evaluated: 2024-01-18. Review status: no assertion criteria provided. Collection method: clinical testing. Allele origin: germline.
Comment: The DDX23 c.2191C>G variant is predicted to result in the amino acid substitution p.Gln731Glu. To our knowledge, this variant has not been reported in the literature or in a large population database, indicating this variant is rare. At this time, the clinical significance of this variant is uncertain due to the absence of conclusive functional and genetic evidence.

NM_004818.3(DDX23):c.2191C>G (p.Gln731Glu)

Gene: DDX23 (DEAD-box helicase 23; minus strand). Cytogenetic location: 12q13.12.
Variant type: single nucleotide variant.
Coding change: c.2191C>G on transcript NM_004818.3 (MANE Select); coding-DNA position 2191, C replaced by G.
Protein change: p.Gln731Glu; replaces glutamine 731 with glutamic acid.
Molecular consequence: missense variant.
Genome position (GRCh38, 1-based): chr12:48,831,190, G>C on the plus strand (C>G on the coding strand, the complement: DDX23 is on the minus strand). VCF-style: chr12-48831190-G-C. GRCh37 (hg19) VCF-style: chr12-49224973-G-C.
Other names: short protein forms Q731E.
Identifiers: ClinVar variation 3031909 (VCV003031909.2), dbSNP rs2498747358, ClinGen allele CA384666237.